The following is an entry in ClinVar:

ClinVar aggregate classification (germline): Uncertain significance. Review status: criteria provided, multiple submitters, no conflicts (2 of 4 stars). 2 submissions from 2 submitters: Uncertain significance (2). Last evaluated 2023-06-21.

Conditions:
Inborn genetic diseases. Identifiers: MedGen C0950123, MeSH D030342.

Allele frequency attached by ClinVar (database versions not stated): gnomAD exomes below 0.00001; gnomAD 0.00001; TOPMed 0.00001.

Submissions (2):

Ambry Genetics
Classification: Uncertain significance for Inborn genetic diseases. Last evaluated: 2023-06-21. Review status: criteria provided, single submitter. Criteria: Ambry Variant Classification Scheme 2023. Collection method: clinical testing. Allele origin: germline.

Labcorp Genetics (formerly Invitae), Labcorp
Classification: Uncertain significance. Last evaluated: 2022-07-16. Review status: criteria provided, single submitter. Criteria: Invitae Variant Classification Sherloc (09022015). Collection method: clinical testing. Allele origin: germline.
Comment: In summary, the available evidence is currently insufficient to determine the role of this variant in disease. Therefore, it has been classified as a Variant of Uncertain Significance. Algorithms developed to predict the effect of missense changes on protein structure and function are either unavailable or do not agree on the potential impact of this missense change (SIFT: "Tolerated"; PolyPhen-2: "Probably Damaging"; Align-GVGD: "Class C0"). This variant has not been reported in the literature in individuals affected with AGBL5-related conditions. This variant is present in population databases (no rsID available, gnomAD 0.007%). This sequence change replaces glycine, which is neutral and non-polar, with glutamic acid, which is acidic and polar, at codon 767 of the AGBL5 protein (p.Gly767Glu).

NM_021831.6(AGBL5):c.2300G>A (p.Gly767Glu)

Gene: AGBL5 (AGBL carboxypeptidase 5; plus strand). Cytogenetic location: 2p23.3.
Variant type: single nucleotide variant.
Coding change: c.2300G>A on transcript NM_021831.6 (MANE Select); coding-DNA position 2300, G replaced by A.
Protein change: p.Gly767Glu; replaces glycine 767 with glutamic acid.
Molecular consequence: missense variant. On other transcripts: non-coding transcript variant (2).
Genome position (GRCh38, 1-based): chr2:27,068,689, G>A. VCF-style: chr2-27068689-G-A. GRCh37 (hg19) VCF-style: chr2-27291557-G-A.
Other names: c.2300G>A, p.Gly767Glu (NM_001035506.1); c.2300G>A (NM_021831.5); short protein forms G767E.
Identifiers: ClinVar variation 1924851 (VCV001924851.5), dbSNP rs1325630445, ClinGen allele CA346141683.